The following is an entry in ClinVar:

ClinVar aggregate classification (germline): Conflicting classifications of pathogenicity. Review status: criteria provided, conflicting classifications (1 of 4 stars). 2 submissions from 2 submitters: Uncertain significance (1); Likely benign (1). Last evaluated 2026-08-10.

Conditions:
Hereditary cancer-predisposing syndrome. Also called: Hereditary Cancer Syndrome; Hereditary neoplastic syndrome; Neoplastic Syndromes, Hereditary; Tumor predisposition. Identifiers: Orphanet 140162, MedGen C0027672, MeSH D009386, MONDO:0015356.
Peutz-Jeghers syndrome (PJS). Also called: POLYPOSIS, HAMARTOMATOUS INTESTINAL; POLYPS-AND-SPOTS SYNDROME; Peutz-Jeghers polyposis; Periorificial lentiginosis syndrome. Identifiers: Orphanet 2869, MedGen C0031269, MeSH D010580, MONDO:0008280, OMIM 175200.

Submissions (2):

Ambry Genetics
Classification: Likely benign for Hereditary cancer-predisposing syndrome. Last evaluated: 2026-08-10. Review status: criteria provided, single submitter. Criteria: Ambry Variant Classification Scheme 2023. Collection method: clinical testing. Allele origin: germline.

Labcorp Genetics (formerly Invitae), Labcorp
Classification: Uncertain significance for Peutz-Jeghers syndrome. Last evaluated: 2021-12-02. Review status: criteria provided, single submitter. Criteria: Invitae Variant Classification Sherloc (09022015). Collection method: clinical testing. Allele origin: germline.
Comment: In summary, the available evidence is currently insufficient to determine the role of this variant in disease. Therefore, it has been classified as a Variant of Uncertain Significance. Advanced modeling of protein sequence and biophysical properties (such as structural, functional, and spatial information, amino acid conservation, physicochemical variation, residue mobility, and thermodynamic stability) performed at Invitae indicates that this missense variant is not expected to disrupt STK11 protein function. This missense change has been observed in individual(s) with personal and/or family history of breast cancer (PMID: 29338689). This variant is not present in population databases (gnomAD no frequency). This sequence change replaces methionine, which is neutral and non-polar, with isoleucine, which is neutral and non-polar, at codon 11 of the STK11 protein (p.Met11Ile).

Literature cited by the submitters: PubMed 29338689 (cited by Labcorp Genetics (formerly Invitae), Labcorp).

NM_000455.5(STK11):c.33G>A (p.Met11Ile)

Gene: STK11 (serine/threonine kinase 11; plus strand). Cytogenetic location: 19p13.3.
Variant type: single nucleotide variant.
Coding change: c.33G>A on transcript NM_000455.5 (MANE Select); coding-DNA position 33, G replaced by A.
Protein change: p.Met11Ile; replaces methionine 11 with isoleucine.
Molecular consequence: missense variant.
Genome position (GRCh38, 1-based): chr19:1,206,946, G>A. VCF-style: chr19-1206946-G-A. GRCh37 (hg19) VCF-style: chr19-1206945-G-A.
Other names: c.33G>A, p.Met11Ile (NM_001407255.1); short protein forms M11I.
Identifiers: ClinVar variation 1731034 (VCV001731034.8), dbSNP rs757411357, ClinGen allele CA402943133.